The following is an entry in ClinVar:

ClinVar aggregate classification (germline): Uncertain significance (1 of 4 stars; one submission).

Allele frequency attached by ClinVar (database versions not stated): ExAC 0.00001.

Submission:

Ambry Genetics
Classification: Uncertain significance. Last evaluated: 2023-05-11. Review status: criteria provided, single submitter. Criteria: Ambry Variant Classification Scheme 2023. Collection method: clinical testing. Allele origin: germline.
Comment: The p.E1162G variant (also known as c.3485A>G), located in coding exon 30 of the KIF1B gene, results from an A to G substitution at nucleotide position 3485. The glutamic acid at codon 1162 is replaced by glycine, an amino acid with similar properties. This amino acid position is conserved. In addition, this alteration is predicted to be tolerated by in silico analysis. Since supporting evidence is limited at this time, the clinical significance of this alteration remains unclear.

NM_001365951.3(KIF1B):c.3623A>G (p.Glu1208Gly)

Gene: KIF1B (kinesin family member 1B; plus strand). Cytogenetic location: 1p36.22.
Variant type: single nucleotide variant.
Coding change: c.3623A>G on transcript NM_001365951.3 (MANE Select); coding-DNA position 3623, A replaced by G.
Protein change: p.Glu1208Gly; replaces glutamic acid 1208 with glycine.
Molecular consequence: missense variant.
Genome position (GRCh38, 1-based): chr1:10,342,159, A>G. VCF-style: chr1-10342159-A-G. GRCh37 (hg19) VCF-style: chr1-10402217-A-G.
Other names: c.3623A>G, p.Glu1208Gly (NM_001365952.1); c.3485A>G, p.Glu1162Gly (NM_015074.3); short protein forms E1162G, E1208G.
Identifiers: ClinVar variation 2563636 (VCV002563636.2), dbSNP rs751446471, ClinGen allele CA581822.